The following is an entry in ClinVar:

ClinVar aggregate classification (germline): Conflicting classifications of pathogenicity. Review status: criteria provided, conflicting classifications (1 of 4 stars). 4 submissions from 4 submitters: Uncertain significance (1); Likely benign (3). Last evaluated 2025-09-19.

Conditions:
Tuberous sclerosis 1 (TSC1). Identifiers: Orphanet 805, MedGen C1854465, MONDO:0008612, OMIM 191100.
Tuberous sclerosis syndrome (TSC). Also called: Tuberous Sclerosis Complex; Tuberous sclerosis. Identifiers: Orphanet 805, MedGen C0041341, MONDO:0001734.

Allele frequency attached by ClinVar (database versions not stated): gnomAD exomes 0.00001; TOPMed 0.00001.
gnomAD v4.1: 19 of 1,614,080 alleles (0.0012%); highest among the groups gnomAD compares: Non-Finnish European, 0.0016%; no homozygotes.

Submissions (4):

Quest Diagnostics Nichols Institute San Juan Capistrano
Classification: Uncertain significance. Last evaluated: 2025-09-19. Review status: criteria provided, single submitter. Criteria: Quest Diagnostics criteria. Collection method: clinical testing. Allele origin: unknown.

Color Diagnostics, LLC DBA Color Health
Classification: Likely benign for Tuberous sclerosis syndrome. Last evaluated: 2025-07-14. Review status: criteria provided, single submitter. Criteria: ACMG Guidelines, 2015. Collection method: clinical testing. Allele origin: germline.

Myriad Genetics, Inc.
Classification: Likely benign for Tuberous sclerosis 1. Last evaluated: 2025-04-08. Review status: criteria provided, single submitter. Criteria: Myriad Autosomal Dominant, Autosomal Recessive and X-Linked Classification Criteria (2023). Collection method: clinical testing. Allele origin: unknown.
Comment: This variant is considered likely benign. This variant is intronic and is not expected to impact mRNA splicing.

Labcorp Genetics (formerly Invitae), Labcorp
Classification: Likely benign for Tuberous sclerosis 1. Last evaluated: 2025-02-12. Review status: criteria provided, single submitter. Criteria: Invitae Variant Classification Sherloc (09022015). Collection method: clinical testing. Allele origin: germline.

NM_000368.5(TSC1):c.664-9C>T

Gene: TSC1 (TSC complex subunit 1; minus strand). Cytogenetic location: 9q34.13.
Variant type: single nucleotide variant.
Coding change: c.664-9C>T on transcript NM_000368.5 (MANE Select); 9 bases into the intron before coding-DNA position 664, C replaced by T.
Molecular consequence: intron variant.
Genome position (GRCh38, 1-based): chr9:132,921,445, G>A on the plus strand (C>T on the coding strand, the complement: TSC1 is on the minus strand). VCF-style: chr9-132921445-G-A. GRCh37 (hg19) VCF-style: chr9-135796832-G-A.
Other names: c.301-9C>T (NM_001362177.2); c.511-9C>T (NM_001162427.2); c.664-9C>T (NM_001162426.2).
Identifiers: ClinVar variation 757975 (VCV000757975.12), dbSNP rs757752536, ClinGen allele CA200900999.